The following is an entry in ClinVar:

ClinVar aggregate classification (germline): Uncertain significance. Review status: reviewed by expert panel (3 of 4 stars). 6 submissions from 6 submitters: Uncertain significance (1). 5 of the submissions do not count toward it. Last evaluated 2024-09-25.

Conditions:
Hereditary thrombocytopenia and hematologic cancer predisposition syndrome. Identifiers: Orphanet 71290, MedGen CN281654, MONDO:0011071.
Hereditary thrombocytopenia and hematological cancer predisposition syndrome associated with RUNX1. Also called: RUNX1 Familial Platelet Disorder with Associated Myeloid Malignancies; Familial thrombocytopenia with propensity to acute myelogenous leukemia; Familial Platelet Disorder with Propensity to Acute Myelogenous Leukemia; PLATELET DISORDER, ASPIRIN-LIKE. Identifiers: Orphanet 71290, MedGen C1832388, MeSH C563324, MONDO:0100083, OMIM 601399.
Inborn genetic diseases. Identifiers: MedGen C0950123, MeSH D030342.

Allele frequency attached by ClinVar (database versions not stated): gnomAD exomes below 0.00001; ExAC 0.00001; TOPMed 0.00002.
gnomAD v4.1: 2 of 1,614,118 alleles (0.00012%); highest among the groups gnomAD compares: Non-Finnish European, 0.00017%; no homozygotes.

Submissions (6):

ClinGen Myeloid Malignancy Variant Curation Expert Panel
Classification: Uncertain significance for Hereditary thrombocytopenia and hematologic cancer predisposition syndrome. Last evaluated: 2024-09-25. Review status: reviewed by expert panel. Criteria: ClinGen MyeloMalig ACMG Specifications v2. Collection method: curation. Allele origin: germline. Inheritance: Autosomal dominant inheritance.
Comment: NM_001754.5(RUNX1):c.414A>C (p.Glu138Asp) is a variant which affects a residue within the Runt Homology domain (AA89-294) but does not impact a residue which has been established as a hotspot (PM1_Supporting). In summary, the clinical significance of this variant is uncertain. ACMG/AMP criteria applied, as specified by the Myeloid Malignancy Variant Curation Expert Panel for RUNX1: PM1_Supporting.

Labcorp Genetics (formerly Invitae), Labcorp
Classification: Uncertain significance for Hereditary thrombocytopenia and hematological cancer predisposition syndrome associated with RUNX1. Last evaluated: 2025-12-29. Review status: criteria provided, single submitter. Criteria: Invitae Variant Classification Sherloc (09022015). Collection method: clinical testing. Allele origin: germline. Not counted in ClinVar's aggregate classification.
Comment: This sequence change replaces glutamic acid, which is acidic and polar, with aspartic acid, which is acidic and polar, at codon 138 of the RUNX1 protein (p.Glu138Asp). This variant is not present in population databases (gnomAD no frequency). This variant has not been reported in the literature in individuals affected with RUNX1-related conditions. ClinVar contains an entry for this variant (Variation ID: 864271). Invitae Evidence Modeling of protein sequence and biophysical properties (such as structural, functional, and spatial information, amino acid conservation, physicochemical variation, residue mobility, and thermodynamic stability) has been performed for this missense variant. However, the output from this modeling did not meet the statistical confidence thresholds required to predict the impact of this variant on RUNX1 protein function. In summary, the available evidence is currently insufficient to determine the role of this variant in disease. Therefore, it has been classified as a Variant of Uncertain Significance.

Ambry Genetics
Classification: Uncertain significance for Inborn genetic diseases. Last evaluated: 2024-11-24. Review status: criteria provided, single submitter. Criteria: Ambry Variant Classification Scheme 2023. Collection method: clinical testing. Allele origin: germline. Not counted in ClinVar's aggregate classification.
Comment: The p.E138D variant (also known as c.414A>C), located in coding exon 4 of the RUNX1 gene, results from an A to C substitution at nucleotide position 414. The glutamic acid at codon 138 is replaced by aspartic acid, an amino acid with highly similar properties. This amino acid position is conserved. In addition, this alteration is predicted to be deleterious by in silico analysis. Based on the available evidence, the clinical significance of this variant remains unclear.

GeneDx
Classification: Uncertain significance. Last evaluated: 2024-07-31. Review status: criteria provided, single submitter. Criteria: GeneDx Variant Classification Process June 2021. Collection method: clinical testing. Allele origin: germline. Affected: yes. Not counted in ClinVar's aggregate classification.
Comment: Not observed at significant frequency in large population cohorts (gnomAD); In silico analysis supports that this missense variant has a deleterious effect on protein structure/function; Not observed in any cases, but was observed in unaffected controls from a melanoma study (PMID: 29641532); This variant is associated with the following publications: (PMID: 29641532)

Clinical Genetics Laboratory, Skane University Hospital Lund
Classification: Uncertain significance. Last evaluated: 2023-06-08. Review status: criteria provided, single submitter. Criteria: ACMG Guidelines, 2015. Collection method: clinical testing. Allele origin: germline. Affected: yes. Not counted in ClinVar's aggregate classification.

CeGaT Center for Human Genetics Tuebingen
Classification: Uncertain significance. Last evaluated: 2020-09-01. Review status: criteria provided, single submitter. Criteria: CeGaT Center For Human Genetics Tuebingen Variant Classification Criteria Version 2. Collection method: clinical testing. Allele origin: germline. Affected: yes. Observed: 1 variant allele. Not counted in ClinVar's aggregate classification.

NM_001754.5(RUNX1):c.414A>C (p.Glu138Asp)

Genes: RUNX1 (RUNX family transcription factor 1; minus strand), RUNX1-AS1 (RUNX1 antisense RNA 1; plus strand). Cytogenetic location: 21q22.12.
Variant type: single nucleotide variant.
Coding change: c.414A>C on transcript NM_001754.5 (MANE Select); coding-DNA position 414, A replaced by C.
Protein change: p.Glu138Asp; replaces glutamic acid 138 with aspartic acid.
Molecular consequence: missense variant.
Genome position (GRCh38, 1-based): chr21:34,880,651, T>G on the plus strand (A>C on the coding strand, the complement: RUNX1 is on the minus strand). VCF-style: chr21-34880651-T-G. GRCh37 (hg19) VCF-style: chr21-36252948-T-G.
Other names: NM_001754.5(RUNX1):c.414A>C; p.Glu138Asp; c.333A>C, p.Glu111Asp (NM_001001890.3, NM_001122607.2); short protein forms E138D, E111D.
Identifiers: ClinVar variation 864271 (VCV000864271.48), dbSNP rs771823558, ClinGen allele CA10014520.
Genomic context (GRCh38, chr21:34,880,651, plus strand): 5'-AAATCTTGCAACCTGGTTCTTCATGGCTGCGGTAGCATTTCTCAGCTCAGCCGAGTAGTT[T>G]TCATCATTGCCAGCCATCACAGTGACCAGAGTGCCATCTGGAACATCCCCTAGGGCCACC-3'
Protein context (NP_001745.2, residues 128-148): TLVTVMAGND[Glu138Asp]NYSAELRNAT